The following is an entry in ClinVar:

ClinVar aggregate classification (germline): Benign/Likely benign. Review status: criteria provided, multiple submitters, no conflicts (2 of 4 stars). 5 submissions from 5 submitters: Benign (1); Likely benign (2). 2 of the submissions do not count toward it. Last evaluated 2026-02-03.

Conditions:
Polycystic kidney disease. Also called: Kidney, Polycystic; Polycystic kidney dysplasia. Identifiers: MedGen C0022680, MeSH D007690, MONDO:0020642, HP:0000113.
PKD1-related disorder. Also called: PKD1-related condition.

Allele frequency attached by ClinVar (database versions not stated): gnomAD 0.00008 and 0.00023; TOPMed 0.00009; gnomAD exomes 0.00052 and 0.00158; 1000 Genomes Project 30x 0.00172; 1000 Genomes Project 0.00220; ExAC 0.00750.
gnomAD v4.1: 729 of 1,464,496 alleles (0.05%); highest among the groups gnomAD compares: South Asian, 0.77%; 14 homozygotes.

Submissions (5):

Women's Health and Genetics/Laboratory Corporation of America, LabCorp
Classification: Likely benign. Last evaluated: 2026-02-03. Review status: criteria provided, single submitter. Criteria: LabCorp Variant Classification Summary - May 2015. Collection method: clinical testing. Allele origin: germline.
Comment: Variant summary: PKD1 c.238C>T (p.Arg80Trp) results in a non-conservative amino acid change in the encoded protein sequence. Algorithms developed to predict the effect of missense changes on protein structure and function are either unavailable or do not agree on the potential impact of this missense change. The variant allele was found at a frequency of 0.0016 in 136402 control chromosomes, predominantly at a frequency of 0.0093 within the South Asian subpopulation in the gnomAD database, including 7 homozygotes. The observed variant frequency within South Asian control individuals in the gnomAD database exceeds the estimated maximal expected allele frequency for disease-causing variants in PKD1. c.238C>T has been observed in at least 2 individual(s) affected with autosomal dominant polycystic kidney disease who had other causative variants (example, Raj_2020, Pandita_2019). These report(s) do not provide unequivocal conclusions about association of the variant with PKD1-related conditions. To our knowledge, no experimental evidence demonstrating an impact on protein function has been reported. The following publications have been ascertained in the context of this evaluation (PMID: 32823016, 30816285). ClinVar contains an entry for this variant (Variation ID: 586259). Based on the evidence outlined above, the variant was classified as likely benign.

GeneDx
Classification: Likely benign. Last evaluated: 2021-05-11. Review status: criteria provided, single submitter. Criteria: GeneDx Variant Classification Process June 2021. Collection method: clinical testing. Allele origin: germline. Affected: yes.
Comment: See Variant Classification Assertion Criteria.

Athena Diagnostics
Classification: Benign. Last evaluated: 2018-03-19. Review status: criteria provided, single submitter. Criteria: Athena Diagnostics Criteria. Collection method: clinical testing. Allele origin: germline.

PreventionGenetics, part of Exact Sciences
Classification: Likely benign for PKD1-related condition. Last evaluated: 2019-06-21. Review status: no assertion criteria provided. Collection method: clinical testing. Allele origin: germline. Not counted in ClinVar's aggregate classification.
Comment: This variant is classified as likely benign based on ACMG/AMP sequence variant interpretation guidelines (Richards et al. 2015 PMID: 25741868, with internal and published modifications).

Department of Pathology and Laboratory Medicine, Sinai Health System
Classification: Benign for Polycystic Kidney disease. Review status: no assertion criteria provided. Collection method: clinical testing. Allele origin: unknown. Affected: yes. Observed: 1 variant allele. Study: The Canadian Open Genetics Repository (COGR). Not counted in ClinVar's aggregate classification.
Comment: The PKD1 p.Arg80Trp variant was not identified in the literature nor was it identified in the ClinVar, COGR, LOVD 3.0, or PKD1-LOVD databases. The variant was identified in dbSNP (ID: rs551353498), ADPKD Mutation Database (classified indeterminate), and in control databases in 227 of 162048 chromosomes (7 homozygous) at a frequency of 0.001 increasing the likelihood this could be a low frequency benign variant (Genome Aggregation Database Feb 27, 2017). It was observed in the following populations: â€šÃ„ÃºOtherâ€šÃ„Ã¹ in 1 of 4576 chromosomes (freq: 0.0002), Latino in 1 of 24584 chromosomes (freq: 0.00004), European Non-Finnish in 3 of 66780 chromosomes (freq: 0.00005), East Asian in 2 of 11550 chromosomes (freq: 0.0002), and South Asian in 220 (7 homozygous) of 22550 chromosomes (freq: 0.01), it was not observed in the African, Ashkenazi Jewish and European Finnish populations. In addition we cannot be certain that data from control databases is specific to PKD1 and not from one of the six PKD1 pseudogenes. The p.Arg80 residue is not conserved in mammals and computational analyses (PolyPhen-2, SIFT, AlignGVGD, BLOSUM, MutationTaster) provide inconsistent predictions regarding the impact of the variant Trp to the protein; this information is not very predictive of pathogenicity. The variant occurs outside of the splicing consensus sequence and in silico or computational prediction software programs (SpliceSiteFinder, MaxEntScan, NNSPLICE, GeneSplicer, HumanSpliceFinder) do not predict a difference in splicing. In summary, based on the above information this variant meets our laboratory criteria to be classified as benign.

Literature cited by the submitters: PubMed 30816285 (cited by Women's Health and Genetics/Laboratory Corporation of America, LabCorp); PubMed 32823016 (cited by Women's Health and Genetics/Laboratory Corporation of America, LabCorp).

NM_001009944.3(PKD1):c.238C>T (p.Arg80Trp)

Gene: PKD1 (polycystin 1, transient receptor potential channel interacting; minus strand). Cytogenetic location: 16p13.3.
Variant type: single nucleotide variant.
Coding change: c.238C>T on transcript NM_001009944.3 (MANE Select); coding-DNA position 238, C replaced by T.
Protein change: p.Arg80Trp; replaces arginine 80 with tryptophan.
Molecular consequence: missense variant.
Genome position (GRCh38, 1-based): chr16:2,119,356, G>A on the plus strand (C>T on the coding strand, the complement: PKD1 is on the minus strand). VCF-style: chr16-2119356-G-A. GRCh37 (hg19) VCF-style: chr16-2169357-G-A.
Other names: c.238C>T, p.Arg80Trp (NM_000296.4); short protein forms R80W.
Identifiers: ClinVar variation 586259 (VCV000586259.8), dbSNP rs551353498, ClinGen allele CA7833767.